The following is an entry in ClinVar:

ClinVar aggregate classification (germline): Uncertain significance (1 of 4 stars; one submission).

Submission:

Ambry Genetics
Classification: Uncertain significance. Last evaluated: 2022-07-11. Review status: criteria provided, single submitter. Criteria: Ambry Variant Classification Scheme 2023. Collection method: clinical testing. Allele origin: germline.
Comment: The p.L10F variant (also known as c.30G>T), located in coding exon 1 of the MNDA gene, results from a G to T substitution at nucleotide position 30. The leucine at codon 10 is replaced by phenylalanine, an amino acid with highly similar properties. This amino acid position is conserved. In addition, the in silico prediction for this alteration is inconclusive. Since supporting evidence is limited at this time, the clinical significance of this alteration remains unclear.

NM_002432.3(MNDA):c.30G>T (p.Leu10Phe)

Gene: MNDA (myeloid cell nuclear differentiation antigen; plus strand). Cytogenetic location: 1q23.1.
Variant type: single nucleotide variant.
Coding change: c.30G>T on transcript NM_002432.3 (MANE Select); coding-DNA position 30, G replaced by T.
Protein change: p.Leu10Phe; replaces leucine 10 with phenylalanine.
Molecular consequence: missense variant.
Genome position (GRCh38, 1-based): chr1:158,842,183, G>T. VCF-style: chr1-158842183-G-T. GRCh37 (hg19) VCF-style: chr1-158811973-G-T.
Other names: short protein forms L10F.
Identifiers: ClinVar variation 1727628 (VCV001727628.2), dbSNP rs2526074492, ClinGen allele CA343036304.
Genomic context (GRCh38, chr1:158,842,183, plus strand): 5'-TTACTTTATAGGCCAAGCTATAACATCAGAAATGGTGAATGAATACAAGAAAATTCTTTT[G>T]CTGAAAGGATTTGAGCTCATGGATGATTATCATTTTACATCAATTAAGTCCTTACTGGCC-3'
Protein context (NP_002423.1, residues 1-20): MVNEYKKIL[Leu10Phe]LKGFELMDDY